The following is an entry in ClinVar:

NM_021942.6(TRAPPC11):c.3029A>T (p.Glu1010Val)

Gene: TRAPPC11 (trafficking protein particle complex subunit 11; plus strand). Cytogenetic location: 4q35.1.
Variant type: single nucleotide variant.
Coding change: c.3029A>T on transcript NM_021942.6 (MANE Select); coding-DNA position 3029, A replaced by T.
Protein change: p.Glu1010Val; replaces glutamic acid 1010 with valine.
Molecular consequence: missense variant.
Genome position (GRCh38, 1-based): chr4:183,705,044, A>T. VCF-style: chr4-183705044-A-T. GRCh37 (hg19) VCF-style: chr4-184626197-A-T.
Other names: c.3029A>T, p.Glu1010Val (NM_199053.3); c.3029A>T (NM_021942.4); short protein forms E1010V.
Identifiers: ClinVar variation 474361 (VCV000474361.9), dbSNP rs773678506, ClinGen allele CA3152417.

ClinVar aggregate classification (germline): Uncertain significance. Review status: criteria provided, multiple submitters, no conflicts (2 of 4 stars). 2 submissions from 2 submitters: Uncertain significance (2). Last evaluated 2025-08-24.

Conditions:
Autosomal recessive limb-girdle muscular dystrophy type R18 (LGMDR18). Also called: Autosomal recessive limb-girdle muscular dystrophy type 2S; Limb-girdle muscular dystrophy, type 2S; MUSCULAR DYSTROPHY, LIMB-GIRDLE, AUTOSOMAL RECESSIVE 18. Identifiers: Orphanet 369840, MedGen C4517996, MONDO:0014144, OMIM 615356.
Inborn genetic diseases. Identifiers: MedGen C0950123, MeSH D030342.

Allele frequency attached by ClinVar (database versions not stated): ExAC 0.00002; TOPMed 0.00002; gnomAD 0.00003.
gnomAD v4.1: 46 of 1,594,154 alleles (0.0029%); highest among the groups gnomAD compares: Non-Finnish European, 0.0036%; no homozygotes.

Submissions (2):

Ambry Genetics
Classification: Uncertain significance for Inborn genetic diseases. Last evaluated: 2025-08-24. Review status: criteria provided, single submitter. Criteria: Ambry Variant Classification Scheme 2023. Collection method: clinical testing. Allele origin: germline.

Labcorp Genetics (formerly Invitae), Labcorp
Classification: Uncertain significance for Autosomal recessive limb-girdle muscular dystrophy type R18. Last evaluated: 2021-08-20. Review status: criteria provided, single submitter. Criteria: Invitae Variant Classification Sherloc (09022015). Collection method: clinical testing. Allele origin: germline.
Comment: This sequence change replaces glutamic acid with valine at codon 1010 of the TRAPPC11 protein (p.Glu1010Val). The glutamic acid residue is moderately conserved and there is a moderate physicochemical difference between glutamic acid and valine. This variant is present in population databases (rs773678506, ExAC 0.003%). This variant has not been reported in the literature in individuals affected with TRAPPC11-related conditions. Algorithms developed to predict the effect of missense changes on protein structure and function (SIFT, PolyPhen-2, Align-GVGD) all suggest that this variant is likely to be tolerated. Algorithms developed to predict the effect of sequence changes on RNA splicing suggest that this variant may create or strengthen a splice site. In summary, the available evidence is currently insufficient to determine the role of this variant in disease. Therefore, it has been classified as a Variant of Uncertain Significance.